The following is an entry in ClinVar:

ClinVar aggregate classification (germline): Pathogenic (1 of 4 stars; one submission).

Submission:

Labcorp Genetics (formerly Invitae), Labcorp
Classification: Pathogenic. Last evaluated: 2022-06-20. Review status: criteria provided, single submitter. Criteria: Invitae Variant Classification Sherloc (09022015). Collection method: clinical testing. Allele origin: germline.
Comment: This sequence change creates a premature translational stop signal (p.Gln80Argfs*25) in the TULP1 gene. It is expected to result in an absent or disrupted protein product. Loss-of-function variants in TULP1 are known to be pathogenic (PMID: 8606774, 10549638, 15024725, 18055821). This variant is not present in population databases (gnomAD no frequency). This variant has not been reported in the literature in individuals affected with TULP1-related conditions. For these reasons, this variant has been classified as Pathogenic.

Literature cited by the submitters: PubMed 8606774; PubMed 10549638; PubMed 15024725; PubMed 18055821.

NM_003322.6(TULP1):c.239_251del (p.Gln80fs)

Gene: TULP1 (TUB like protein 1; minus strand). Cytogenetic location: 6p21.31.
Variant type: Deletion.
Coding change: c.239_251del on transcript NM_003322.6 (MANE Select); coding-DNA positions 239 to 251, 13 bases deleted (AGGCCCGGGCGCC).
Protein change: p.Gln80fs; shifts the reading frame from glutamine 80.
Molecular consequence: frameshift variant. On other transcripts: intron variant (1).
Genome position (GRCh38, 1-based): chr6:35,511,746-35,511,758, GGCGCCCGGGCCT deleted on the plus strand (AGGCCCGGGCGCC on the coding strand, the reverse complement: TULP1 is on the minus strand); deleting any 13 consecutive bases within chr6:35,511,746-35,511,760 gives the same sequence; the c. name uses the placement nearest the transcript's 3' end. VCF-style (leftmost placement, unchanged base first): chr6-35511745-CGGCGCCCGGGCCT-C. GRCh37 (hg19) VCF-style: chr6-35479522-CGGCGCCCGGGCCT-C.
Other names: c.190+422_190+434del (NM_001289395.2); short protein forms Q80fs.
Identifiers: ClinVar variation 1407372 (VCV001407372.6), dbSNP rs2150928409, ClinGen allele CA2573140330.